The following is an entry in ClinVar:

ClinVar aggregate classification (germline): Pathogenic (1 of 4 stars; one submission).

Conditions:
Muscular dystrophy-dystroglycanopathy (congenital with brain and eye anomalies), type A9. Also called: Muscular dystrophy-dystroglycanopathy (congenital with brain and eye anomalies), type a, 9; WALKER-WARBURG SYNDROME OR MUSCLE-EYE BRAIN DISEASE, DAG1-RELATED. Identifiers: Orphanet 370997, Orphanet 899, MedGen C4225291, MONDO:0014683, OMIM 616538.
Autosomal recessive limb-girdle muscular dystrophy type 2P. Also called: Limb-Girdle Muscular Dystrophy Type 9C; MUSCULAR DYSTROPHY-DYSTROGLYCANOPATHY, LIMB-GIRDLE, DAG1-RELATED; MUSCULAR DYSTROPHY, LIMB-GIRDLE, TYPE 2P. Identifiers: Orphanet 280333, MedGen C4511963, MONDO:0013440, OMIM 613818.

Submission:

Labcorp Genetics (formerly Invitae), Labcorp
Classification: Pathogenic for Autosomal recessive limb-girdle muscular dystrophy type 2P; Muscular dystrophy-dystroglycanopathy (congenital with brain and eye anomalies), type A9. Last evaluated: 2022-08-22. Review status: criteria provided, single submitter. Criteria: Invitae Variant Classification Sherloc (09022015). Collection method: clinical testing. Allele origin: unknown.
Comment: For these reasons, this variant has been classified as Pathogenic. This variant disrupts a region of the DAG1 protein in which other variant(s) (p.Ala248Glufs*19) have been determined to be pathogenic (PMID: 25934851, 29337005). This suggests that this is a clinically significant region of the protein, and that variants that disrupt it are likely to be disease-causing. This variant has not been reported in the literature in individuals affected with DAG1-related conditions. This variant is a gross deletion of the genomic region encompassing exon(s) 3 of the DAG1 gene, which includes the termination codon. This deletion extends beyond the assayed region for this gene and therefore may encompass additional genes. While this deletion is not anticipated to lead to nonsense mediated decay, it is expected to alter mRNA translation or result in a truncated protein product.

Literature cited by the submitters: PubMed 25934851; PubMed 29337005.

NC_000003.11:g.(?_49568210)_(49570632_?)del

Gene: DAG1 (dystroglycan 1; plus strand). Cytogenetic location: 3p21.31.
Variant type: Deletion.
Identifiers: ClinVar variation 3246914 (VCV003246914.1).